The following is an entry in ClinVar:

NM_133497.4(KCNV2):c.349G>A (p.Gly117Ser)

Gene: KCNV2 (potassium voltage-gated channel modifier subfamily V member 2; plus strand). Cytogenetic location: 9p24.2.
Variant type: single nucleotide variant.
Coding change: c.349G>A on transcript NM_133497.4 (MANE Select); coding-DNA position 349, G replaced by A.
Protein change: p.Gly117Ser; replaces glycine 117 with serine.
Molecular consequence: missense variant.
Genome position (GRCh38, 1-based): chr9:2,718,088, G>A. VCF-style: chr9-2718088-G-A. GRCh37 (hg19) VCF-style: chr9-2718088-G-A.
Other names: short protein forms G117S.
Identifiers: ClinVar variation 842756 (VCV000842756.9), dbSNP rs200353727, ClinGen allele CA4965421.

ClinVar aggregate classification (germline): Uncertain significance. Review status: criteria provided, multiple submitters, no conflicts (2 of 4 stars). 3 submissions from 3 submitters: Uncertain significance (3). Last evaluated 2026-08-27.

Conditions:
KCNV2-related disorder. Also called: KCNV2-related condition.

Allele frequency attached by ClinVar (database versions not stated): gnomAD exomes 0.00010 and 0.00023; gnomAD 0.00011 and 0.00013; TOPMed 0.00014; ESP Exome Variant Server 0.00015; 1000 Genomes Project 30x 0.00016; ExAC 0.00017; 1000 Genomes Project 0.00020.

Submissions (3):

PreventionGenetics, part of Exact Sciences
Classification: Uncertain significance for KCNV2-related condition. Last evaluated: 2026-08-27. Review status: criteria provided, single submitter. Criteria: ACMG Guidelines, 2015. Collection method: clinical testing. Allele origin: germline.
Comment: The KCNV2 c.349G>A variant is predicted to result in the amino acid substitution p.Gly117Ser. To our knowledge, this variant has not been reported in the literature. This variant is reported in 0.035% of alleles in individuals of South Asian descent in gnomAD. At this time, the clinical significance of this variant is uncertain due to the absence of conclusive functional and genetic evidence.

Labcorp Genetics (formerly Invitae), Labcorp
Classification: Uncertain significance. Last evaluated: 2024-09-06. Review status: criteria provided, single submitter. Criteria: Invitae Variant Classification Sherloc (09022015). Collection method: clinical testing. Allele origin: germline.
Comment: This sequence change replaces glycine, which is neutral and non-polar, with serine, which is neutral and polar, at codon 117 of the KCNV2 protein (p.Gly117Ser). This variant is present in population databases (rs200353727, gnomAD 0.03%). This variant has not been reported in the literature in individuals affected with KCNV2-related conditions. ClinVar contains an entry for this variant (Variation ID: 842756). Invitae Evidence Modeling of protein sequence and biophysical properties (such as structural, functional, and spatial information, amino acid conservation, physicochemical variation, residue mobility, and thermodynamic stability) indicates that this missense variant is not expected to disrupt KCNV2 protein function with a negative predictive value of 80%. In summary, the available evidence is currently insufficient to determine the role of this variant in disease. Therefore, it has been classified as a Variant of Uncertain Significance.

Blueprint Genetics
Classification: Uncertain significance. Last evaluated: 2024-08-05. Review status: criteria provided, single submitter. Criteria: ACMG Guidelines, 2015. Collection method: clinical testing. Allele origin: germline.